The following is an entry in ClinVar:

ClinVar aggregate classification (germline): Uncertain significance (1 of 4 stars; one submission).

Conditions:
Imerslund-Grasbeck syndrome. Also called: ENTEROCYTE COBALAMIN MALABSORPTION; ENTEROCYTE INTRINSIC FACTOR RECEPTOR, DEFECT OF; Megaloblastic anemia due to inborn errors of metabolism; Imerslund-Gräsbeck syndrome; PERNICIOUS ANEMIA, JUVENILE, DUE TO SELECTIVE INTESTINAL MALABSORPTION OF VITAMIN B12, WITH PROTEINURIA. Identifiers: Orphanet 35858, MedGen C4551825, MONDO:0009853.

Allele frequency attached by ClinVar (database versions not stated): TOPMed below 0.00001; gnomAD 0.00001.

Submission:

Labcorp Genetics (formerly Invitae), Labcorp
Classification: Uncertain significance for Imerslund-Grasbeck syndrome. Last evaluated: 2022-03-04. Review status: criteria provided, single submitter. Criteria: Invitae Variant Classification Sherloc (09022015). Collection method: clinical testing. Allele origin: germline.
Comment: This sequence change replaces alanine, which is neutral and non-polar, with serine, which is neutral and polar, at codon 398 of the AMN protein (p.Ala398Ser). This variant is not present in population databases (gnomAD no frequency). This variant has not been reported in the literature in individuals affected with AMN-related conditions. Algorithms developed to predict the effect of missense changes on protein structure and function (SIFT, PolyPhen-2, Align-GVGD) all suggest that this variant is likely to be tolerated. In summary, the available evidence is currently insufficient to determine the role of this variant in disease. Therefore, it has been classified as a Variant of Uncertain Significance.

NM_030943.4(AMN):c.1192G>T (p.Ala398Ser)

Gene: AMN (amnion associated transmembrane protein; plus strand). Cytogenetic location: 14q32.32.
Variant type: single nucleotide variant.
Coding change: c.1192G>T on transcript NM_030943.4 (MANE Select); coding-DNA position 1192, G replaced by T.
Protein change: p.Ala398Ser; replaces alanine 398 with serine.
Molecular consequence: missense variant.
Genome position (GRCh38, 1-based): chr14:102,930,428, G>T. VCF-style: chr14-102930428-G-T. GRCh37 (hg19) VCF-style: chr14-103396765-G-T.
Other names: short protein forms A398S.
Identifiers: ClinVar variation 1960437 (VCV001960437.2), dbSNP rs1891318198, ClinGen allele CA391083746.